The following is an entry in ClinVar:

ClinVar aggregate classification (germline): Pathogenic (1 of 4 stars; one submission).

Submission:

Labcorp Genetics (formerly Invitae), Labcorp
Classification: Pathogenic. Last evaluated: 2024-04-17. Review status: criteria provided, single submitter. Criteria: Invitae Variant Classification Sherloc (09022015). Collection method: clinical testing. Allele origin: germline.
Comment: This sequence change creates a premature translational stop signal (p.Ile82Leufs*6) in the HARS2 gene. It is expected to result in an absent or disrupted protein product. Loss-of-function variants in HARS2 are known to be pathogenic (PMID: 31827252). This variant is present in population databases (rs778165592, gnomAD 0.01%). This variant has not been reported in the literature in individuals affected with HARS2-related conditions. Algorithms developed to predict the effect of sequence changes on RNA splicing suggest that this variant may disrupt the consensus splice site. For these reasons, this variant has been classified as Pathogenic.

Literature cited by the submitters: PubMed 31827252.

NM_012208.4(HARS2):c.243_244insCTTT (p.Ile82fs)

Gene: HARS2 (histidyl-tRNA synthetase 2, mitochondrial; plus strand). Cytogenetic location: 5q31.3.
Variant type: Insertion.
Coding change: c.243_244insCTTT on transcript NM_012208.4 (MANE Select); coding-DNA positions 243 to 244, CTTT inserted.
Protein change: p.Ile82fs; shifts the reading frame from isoleucine 82.
Molecular consequence: frameshift variant.
Genome position: GRCh38 VCF-style: chr5-140693992-G-GTTCT. GRCh37 (hg19) VCF-style: chr5-140073577-G-GTTCT.
Other names: c.168_169insCTTT, p.Ile57fs (NM_001278731.2); c.33_34insCTTT, p.Ile12fs (NM_001278732.2, NM_001363536.2); c.261_262insCTTT, p.Ile88fs (NM_001363535.2); short protein forms I12fs, I57fs, I82fs, I88fs.
Identifiers: ClinVar variation 2964113 (VCV002964113.3), dbSNP rs778165592, ClinGen allele CA3444348.
Genomic context (GRCh38, chr5:140,693,992, plus strand): 5'-CAGGGTACCAGGGATCTTAGTCCTCAGCATATGGTTGTGAGGGAGAAAATTCTTGATTTG[G>GTTCT]TTATCAGCTGCTTTAAACGTCATGGAGCAAAGGGGATGGACACCCCAGCATTTGAGCTGA-3'